The following is an entry in ClinVar:

NM_004946.3(DOCK2):c.1384-4T>C

Gene: DOCK2 (dedicator of cytokinesis 2; plus strand). Cytogenetic location: 5q35.1.
Variant type: single nucleotide variant.
Coding change: c.1384-4T>C on transcript NM_004946.3 (MANE Select); 4 bases into the intron before coding-DNA position 1384, T replaced by C.
Molecular consequence: intron variant.
Genome position (GRCh38, 1-based): chr5:169,708,165, T>C. VCF-style: chr5-169708165-T-C. GRCh37 (hg19) VCF-style: chr5-169135169-T-C.
Identifiers: ClinVar variation 1028312 (VCV001028312.6), dbSNP rs1295678117, ClinGen allele CA564620259.

ClinVar aggregate classification (germline): Conflicting classifications of pathogenicity. Review status: criteria provided, conflicting classifications (1 of 4 stars). 2 submissions from 2 submitters: Uncertain significance (1); Likely benign (1). Last evaluated 2025-08-26.

Conditions:
DOCK2 deficiency. Also called: Immunodeficiency 40. Identifiers: Orphanet 447737, MedGen C4225328, MONDO:0014637, OMIM 616433.

Allele frequency attached by ClinVar (database versions not stated): gnomAD exomes below 0.00001 and 0.00001; gnomAD 0.00003 and 0.00004; TOPMed 0.00006.
gnomAD v4.1: 15 of 1,613,414 alleles (0.00093%); highest among the groups gnomAD compares: African/African-American, 0.008%; no homozygotes.

Submissions (2):

Labcorp Genetics (formerly Invitae), Labcorp
Classification: Likely benign for DOCK2 deficiency. Last evaluated: 2025-08-26. Review status: criteria provided, single submitter. Criteria: Invitae Variant Classification Sherloc (09022015). Collection method: clinical testing. Allele origin: germline.

Baylor Genetics
Classification: Uncertain significance for DOCK2 deficiency. Last evaluated: 2019-04-03. Review status: criteria provided, single submitter. Criteria: ACMG Guidelines, 2015. Collection method: clinical testing. Allele origin: maternal. Affected: yes.
Comment: This variant was determined to be of uncertain significance according to ACMG Guidelines, 2015 [PMID:25741868].